The following is an entry in ClinVar:

NM_001366385.1(CARD14):c.2539C>T (p.Leu847Phe)

Genes: SGSH (N-sulfoglucosamine sulfohydrolase; minus strand), CARD14 (caspase recruitment domain family member 14; plus strand), LOC126862662 (MED14-independent group 3 enhancer GRCh37_chr17:78178385-78179584; plus strand). Cytogenetic location: 17q25.3.
Variant type: single nucleotide variant.
Coding change: c.2539C>T on transcript NM_001366385.1 (MANE Select); coding-DNA position 2539, C replaced by T.
Protein change: p.Leu847Phe; replaces leucine 847 with phenylalanine.
Molecular consequence: missense variant. On other transcripts: non-coding transcript variant (1).
Genome position (GRCh38, 1-based): chr17:80,205,175, C>T. VCF-style: chr17-80205175-C-T. GRCh37 (hg19) VCF-style: chr17-78178974-C-T.
Other names: c.2539C>T, p.Leu847Phe (NM_024110.4); short protein forms L847F.
Identifiers: ClinVar variation 2167677 (VCV002167677.4), dbSNP rs753242893, ClinGen allele CA8817354.

ClinVar aggregate classification (germline): Uncertain significance (1 of 4 stars; one submission).

Conditions:
Psoriasis 2. Identifiers: MedGen C1864497, MONDO:0011269, OMIM 602723.
Pityriasis rubra pilaris (PRP). Also called: Pityriasis rubra pilaris--familial type. Identifiers: Orphanet 2897, MedGen C0032027, MONDO:0100017, OMIM 173200, MONDO:0008251.

Allele frequency attached by ClinVar (database versions not stated): ExAC 0.00001; gnomAD exomes 0.00001; TOPMed 0.00001; gnomAD 0.00003.
gnomAD v4.1: 20 of 1,613,576 alleles (0.0012%); highest among the groups gnomAD compares: Non-Finnish European, 0.0017%; no homozygotes.

Submission:

Labcorp Genetics (formerly Invitae), Labcorp
Classification: Uncertain significance for Pityriasis rubra pilaris; Psoriasis 2. Last evaluated: 2026-02-01. Review status: criteria provided, single submitter. Criteria: Invitae Variant Classification Sherloc (09022015). Collection method: clinical testing. Allele origin: germline.
Comment: This sequence change replaces leucine, which is neutral and non-polar, with phenylalanine, which is neutral and non-polar, at codon 847 of the CARD14 protein (p.Leu847Phe). This variant is present in population databases (rs753242893, gnomAD 0.003%). This variant has not been reported in the literature in individuals affected with CARD14-related conditions. ClinVar contains an entry for this variant (Variation ID: 2167677). Invitae Evidence Modeling of protein sequence and biophysical properties (such as structural, functional, and spatial information, amino acid conservation, physicochemical variation, residue mobility, and thermodynamic stability) has been performed for this missense variant. However, the output from this modeling did not meet the statistical confidence thresholds required to predict the impact of this variant on CARD14 protein function. In summary, the available evidence is currently insufficient to determine the role of this variant in disease. Therefore, it has been classified as a Variant of Uncertain Significance.